The following is an entry in ClinVar:

NM_001267550.2(TTN):c.93901G>A (p.Val31301Ile)

Genes: TTN (titin; minus strand), TTN-AS1 (TTN antisense RNA 1; plus strand). Cytogenetic location: 2q31.2.
Variant type: single nucleotide variant.
Coding change: c.93901G>A on transcript NM_001267550.2 (MANE Select); coding-DNA position 93901, G replaced by A.
Protein change: p.Val31301Ile; replaces valine 31301 with isoleucine.
Molecular consequence: missense variant.
Genome position (GRCh38, 1-based): chr2:178,547,725, C>T on the plus strand (G>A on the coding strand, the complement: TTN is on the minus strand). VCF-style: chr2-178547725-C-T. GRCh37 (hg19) VCF-style: chr2-179412452-C-T.
Other names: p.V28733I:GTC>ATC; c.88978G>A, p.Val29660Ile (NM_001256850.1); c.66706G>A, p.Val22236Ile (NM_003319.4); c.86197G>A, p.Val28733Ile (NM_133378.4); c.67081G>A, p.Val22361Ile (NM_133432.3); c.67282G>A, p.Val22428Ile (NM_133437.4); short protein forms V31301I, V28733I, V29660I, V22236I, V22361I, V22428I.
Identifiers: ClinVar variation 47537 (VCV000047537.41), dbSNP rs67665715, ClinGen allele CA284080.

ClinVar aggregate classification (germline): Benign/Likely benign. Review status: criteria provided, multiple submitters, no conflicts (2 of 4 stars). 26 submissions from 19 submitters: Benign (20); Likely benign (2). 4 of the submissions do not count toward it. Last evaluated 2026-02-03.

Conditions:
Dilated cardiomyopathy 1G (CMD1G). Identifiers: Orphanet 154, MedGen C1858763, MONDO:0011400, OMIM 604145.
Autosomal recessive limb-girdle muscular dystrophy type 2J (LGMDR10). Also called: MUSCULAR DYSTROPHY, LIMB-GIRDLE, AUTOSOMAL RECESSIVE 10; Limb-girdle muscular dystrophy, type 2J. Identifiers: Orphanet 140922, MedGen C1837342, MONDO:0012127, OMIM 608807.
Cardiovascular phenotype. Identifiers: MedGen CN230736.
Cardiomyopathy (CMYO). Also called: Cardiomyopathies. Identifiers: Orphanet 167848, MedGen C0878544, MONDO:0004994, HP:0001638. Inheritance: Various modes of inheritance.
Early-onset myopathy with fatal cardiomyopathy (CMYO5). Also called: CONGENITAL MYOPATHY 5 WITH CARDIOMYOPATHY; Salih Myopathy. Identifiers: Orphanet 289377, MedGen C2673677, MONDO:0012714, OMIM 611705. Disease mechanism: loss of function.
Tibial muscular dystrophy (TMD). Also called: Udd Distal Myopathy – Tibial Muscular Dystrophy; Tibial muscular dystrophy, tardive; UDD MYOPATHY. Identifiers: Orphanet 609, MedGen C1838244, MONDO:0010870, OMIM 600334.
Myopathy, myofibrillar, 9, with early respiratory failure (MFM9). Also called: Myopathy, distal, with early respiratory failure, autosomal dominant; Hereditary myopathy with early respiratory failure; MYOPATHY, PROXIMAL, WITH EARLY RESPIRATORY MUSCLE INVOLVEMENT; EDSTROM MYOPATHY. Identifiers: Orphanet 178464, Orphanet 34521, MedGen C1863599, MONDO:0011362, OMIM 603689.

Allele frequency attached by ClinVar (database versions not stated): gnomAD 0.03523 and 0.03298; ExAC 0.01059; ESP Exome Variant Server 0.03294; gnomAD exomes 0.00858; 1000 Genomes Project 0.03594; TOPMed 0.03758; 1000 Genomes Project 30x 0.03810.
gnomAD v4.1: 10,624 of 1,613,860 alleles (0.66%); highest among the groups gnomAD compares: African/African-American, 11%; 521 homozygotes.

Submissions (26):

Labcorp Genetics (formerly Invitae), Labcorp
Classification: Benign for Dilated cardiomyopathy 1G; Autosomal recessive limb-girdle muscular dystrophy type 2J. Last evaluated: 2026-02-03. Review status: criteria provided, single submitter. Criteria: Invitae Variant Classification Sherloc (09022015). Collection method: clinical testing. Allele origin: germline.

Molecular Diagnostic Laboratory for Inherited Cardiovascular Disease, Montreal Heart Institute
Classification: Benign. Last evaluated: 2025-04-09. Review status: criteria provided, single submitter. Criteria: ACMG Guidelines, 2015. Collection method: clinical testing. Allele origin: germline. Affected: no.

Athena Diagnostics
Classification: Benign. Last evaluated: 2023-10-17. Review status: criteria provided, single submitter. Criteria: Athena Diagnostics Criteria. Collection method: clinical testing. Allele origin: unknown.

CHEO Genetics Diagnostic Laboratory, Children's Hospital of Eastern Ontario
Classification: Benign for Cardiomyopathy. Last evaluated: 2023-05-16. Review status: criteria provided, single submitter. Criteria: ACMG Guidelines, 2015. Collection method: clinical testing. Allele origin: germline.

Genetic Services Laboratory, University of Chicago
Classification: Benign. Last evaluated: 2022-01-07. Review status: criteria provided, single submitter. Criteria: ACMG Guidelines, 2015. Collection method: clinical testing. Allele origin: germline. Affected: no.

Genome-Nilou Lab
Classification: Benign for Autosomal recessive limb-girdle muscular dystrophy type 2J. Last evaluated: 2021-09-10. Review status: criteria provided, single submitter. Criteria: ACMG Guidelines, 2015. Collection method: clinical testing. Allele origin: germline. Affected: no.

Genome-Nilou Lab
Classification: Benign for Myopathy, myofibrillar, 9, with early respiratory failure. Last evaluated: 2021-09-10. Review status: criteria provided, single submitter. Criteria: ACMG Guidelines, 2015. Collection method: clinical testing. Allele origin: germline. Affected: no.

Genome-Nilou Lab
Classification: Benign for Early-onset myopathy with fatal cardiomyopathy. Last evaluated: 2021-09-10. Review status: criteria provided, single submitter. Criteria: ACMG Guidelines, 2015. Collection method: clinical testing. Allele origin: germline. Affected: no.

Genome-Nilou Lab
Classification: Benign for Tibial muscular dystrophy. Last evaluated: 2021-09-10. Review status: criteria provided, single submitter. Criteria: ACMG Guidelines, 2015. Collection method: clinical testing. Allele origin: germline. Affected: no.

Women's Health and Genetics/Laboratory Corporation of America, LabCorp
Classification: Likely benign. Last evaluated: 2020-10-19. Review status: criteria provided, single submitter. Criteria: LabCorp Variant Classification Summary - May 2015. Collection method: clinical testing. Allele origin: germline.

Mayo Clinic Laboratories, Mayo Clinic
Classification: Benign. Last evaluated: 2018-05-23. Review status: criteria provided, single submitter. Criteria: ACMG Guidelines, 2015. Collection method: clinical testing. Allele origin: germline. Observed: 68 variant alleles.

Illumina Laboratory Services, Illumina
Classification: Benign for Dilated cardiomyopathy 1G. Last evaluated: 2018-01-13. Review status: criteria provided, single submitter. Criteria: ICSL Variant Classification Criteria 13 December 2019. Collection method: clinical testing. Allele origin: germline.
Comment: This variant was observed in the ICSL laboratory as part of a predisposition screen in an ostensibly healthy population. It had not been previously curated by ICSL or reported in the Human Gene Mutation Database (HGMD: prior to June 1st, 2018), and was therefore a candidate for classification through an automated scoring system. Utilizing variant allele frequency, disease prevalence and penetrance estimates, and inheritance mode, an automated score was calculated to assess if this variant is too frequent to cause the disease. Based on the score and internal cut-off values, a variant classified as benign is not then subjected to further curation. The score for this variant resulted in a classification of benign for this disease.

Illumina Laboratory Services, Illumina
Classification: Benign for Early-onset myopathy with fatal cardiomyopathy. Last evaluated: 2018-01-13. Review status: criteria provided, single submitter. Criteria: ICSL Variant Classification Criteria 13 December 2019. Collection method: clinical testing. Allele origin: germline.
Comment: the same text as in the submission from Illumina Laboratory Services, Illumina above.

Illumina Laboratory Services, Illumina
Classification: Benign for Tibial muscular dystrophy. Last evaluated: 2018-01-13. Review status: criteria provided, single submitter. Criteria: ICSL Variant Classification Criteria 13 December 2019. Collection method: clinical testing. Allele origin: germline.
Comment: the same text as in the submission from Illumina Laboratory Services, Illumina above.

Illumina Laboratory Services, Illumina
Classification: Benign for Autosomal recessive limb-girdle muscular dystrophy type 2J. Last evaluated: 2018-01-13. Review status: criteria provided, single submitter. Criteria: ICSL Variant Classification Criteria 13 December 2019. Collection method: clinical testing. Allele origin: germline.
Comment: the same text as in the submission from Illumina Laboratory Services, Illumina above.

Illumina Laboratory Services, Illumina
Classification: Benign for Myopathy, myofibrillar, 9, with early respiratory failure. Last evaluated: 2018-01-13. Review status: criteria provided, single submitter. Criteria: ICSL Variant Classification Criteria 13 December 2019. Collection method: clinical testing. Allele origin: germline.
Comment: the same text as in the submission from Illumina Laboratory Services, Illumina above.

Biesecker Lab/Clinical Genomics Section, National Institutes of Health
Classification: Benign. Last evaluated: 2013-06-24. Review status: criteria provided, single submitter. Criteria: Ng et al. (Circ Cardiovasc Genet. 2013). Collection method: research. Allele origin: unknown. Observed: 13 variant alleles. Study: ClinSeq.
Comment: The study set was not selected for affection status in relation to any cancer. Pathogenicity categories were based on literature curation. See Pubmed ID:23861362 for details.

Medical sequencing

GeneDx
Classification: Benign. Last evaluated: 2013-04-30. Review status: criteria provided, single submitter. Criteria: GeneDx Variant Classification (06012015). Collection method: clinical testing. Allele origin: germline. Affected: yes.
Comment: This variant is considered likely benign or benign based on one or more of the following criteria: it is a conservative change, it occurs at a poorly conserved position in the protein, it is predicted to be benign by multiple in silico algorithms, and/or has population frequency not consistent with disease.

Ambry Genetics
Classification: Benign for Cardiovascular phenotype. Last evaluated: 2012-12-14. Review status: criteria provided, single submitter. Criteria: Ambry Autosomal Dominant and X-Linked criteria (10/2015). Collection method: clinical testing. Allele origin: germline. Observed: 1 variant allele.

Laboratory for Molecular Medicine, Mass General Brigham Personalized Medicine
Classification: Benign. Last evaluated: 2012-04-24. Review status: criteria provided, single submitter. Criteria: LMM Criteria. Collection method: clinical testing. Allele origin: germline. Observed: 59 variant alleles.
Comment: Val28733Ile in exon 288 of TTN: This variant is not expected to have clinical si gnificance because it has been identified in 9.8% (318/3232) of African American chromosomes from a broad population by the NHLBI Exome Sequencing Project.

Breakthrough Genomics
Classification: Likely benign. Review status: criteria provided, single submitter. Criteria: ACMG Guidelines, 2015. Collection method: not provided. Allele origin: germline. Inheritance: Autosomal recessive inheritance. Affected: yes.

PreventionGenetics, part of Exact Sciences
Classification: Benign. Review status: criteria provided, single submitter. Criteria: ACMG Guidelines, 2015. Collection method: clinical testing. Allele origin: germline.

Clinical Genetics DNA and cytogenetics Diagnostics Lab, Erasmus MC, Erasmus Medical Center
Classification: Benign. Review status: no assertion criteria provided. Collection method: clinical testing. Allele origin: germline. Affected: yes. Study: VKGL Data-share Consensus. Not counted in ClinVar's aggregate classification.

Clinical Genetics, Academic Medical Center
Classification: Benign. Review status: no assertion criteria provided. Collection method: clinical testing. Allele origin: germline. Affected: yes. Study: VKGL Data-share Consensus. Not counted in ClinVar's aggregate classification.

Joint Genome Diagnostic Labs from Nijmegen and Maastricht, Radboudumc and MUMC+
Classification: Benign. Review status: no assertion criteria provided. Collection method: clinical testing. Allele origin: germline. Affected: yes. Study: VKGL Data-share Consensus. Not counted in ClinVar's aggregate classification.

Laboratory of Diagnostic Genome Analysis, Leiden University Medical Center (LUMC)
Classification: Likely benign. Review status: no assertion criteria provided. Collection method: clinical testing. Allele origin: germline. Affected: yes. Study: VKGL Data-share Consensus. Not counted in ClinVar's aggregate classification.

Literature cited by the submitters: PubMed 23861362 (cited by Athena Diagnostics).